The following is an entry in ClinVar:

ClinVar aggregate classification (germline): Likely benign (0 of 4 stars; one submission).

Conditions:
PLXNA3-related disorder. Also called: PLXNA3-related condition.

Allele frequency attached by ClinVar (database versions not stated): TOPMed 0.00006; gnomAD 0.00028; gnomAD exomes 0.00037; ExAC 0.00078; 1000 Genomes Project 0.00185; 1000 Genomes Project 30x 0.00208.
gnomAD v4.1: 452 of 1,210,221 alleles (0.037%); highest among the groups gnomAD compares: South Asian, 0.72%; 3 homozygotes.

Submission:

PreventionGenetics, part of Exact Sciences
Classification: Likely benign for PLXNA3-related condition. Last evaluated: 2019-06-07. Review status: no assertion criteria provided. Collection method: clinical testing. Allele origin: germline.
Comment: This variant is classified as likely benign based on ACMG/AMP sequence variant interpretation guidelines (Richards et al. 2015 PMID: 25741868, with internal and published modifications).

NM_017514.5(PLXNA3):c.958A>G (p.Ile320Val)

Gene: PLXNA3 (plexin A3; plus strand). Cytogenetic location: Xq28.
Variant type: single nucleotide variant.
Coding change: c.958A>G on transcript NM_017514.5 (MANE Select); coding-DNA position 958, A replaced by G.
Protein change: p.Ile320Val; replaces isoleucine 320 with valine.
Molecular consequence: missense variant.
Genome position (GRCh38, 1-based): chrX:154,461,462, A>G. VCF-style: chrX-154461462-A-G. GRCh37 (hg19) VCF-style: chrX-153689802-A-G.
Other names: short protein forms I320V.
Identifiers: ClinVar variation 3055867 (VCV003055867.2), dbSNP rs782408788, ClinGen allele CA10563869.